The following is an entry in ClinVar:

NM_000701.8(ATP1A1):c.280C>T (p.Arg94Trp)

Gene: ATP1A1 (ATPase Na+/K+ transporting subunit alpha 1; plus strand). Cytogenetic location: 1p13.1.
Variant type: single nucleotide variant.
Coding change: c.280C>T on transcript NM_000701.8 (MANE Select); coding-DNA position 280, C replaced by T.
Protein change: p.Arg94Trp; replaces arginine 94 with tryptophan.
Molecular consequence: missense variant.
Genome position (GRCh38, 1-based): chr1:116,387,384, C>T. VCF-style: chr1-116387384-C-T. GRCh37 (hg19) VCF-style: chr1-116930006-C-T.
Other names: c.280C>T, p.Arg94Trp (NM_001160233.2); c.187C>T, p.Arg63Trp (NM_001160234.2); short protein forms R63W, R94W.
Identifiers: ClinVar variation 3674955 (VCV003674955.2).

ClinVar aggregate classification (germline): Uncertain significance (1 of 4 stars; one submission).

gnomAD v4.1: 1 of 1,614,160 alleles (0.000062%); highest among the groups gnomAD compares: Non-Finnish European, 0.000085%; no homozygotes.

Submission:

Labcorp Genetics (formerly Invitae), Labcorp
Classification: Uncertain significance. Last evaluated: 2024-08-28. Review status: criteria provided, single submitter. Criteria: Invitae Variant Classification Sherloc (09022015). Collection method: clinical testing. Allele origin: germline.
Comment: This sequence change replaces arginine, which is basic and polar, with tryptophan, which is neutral and slightly polar, at codon 94 of the ATP1A1 protein (p.Arg94Trp). This variant is present in population databases (no rsID available, gnomAD 0.0009%). This variant has not been reported in the literature in individuals affected with ATP1A1-related conditions. Invitae Evidence Modeling of protein sequence and biophysical properties (such as structural, functional, and spatial information, amino acid conservation, physicochemical variation, residue mobility, and thermodynamic stability) indicates that this missense variant is not expected to disrupt ATP1A1 protein function with a negative predictive value of 80%. Algorithms developed to predict the effect of sequence changes on RNA splicing suggest that this variant may disrupt the consensus splice site. In summary, the available evidence is currently insufficient to determine the role of this variant in disease. Therefore, it has been classified as a Variant of Uncertain Significance.